The following is an entry in ClinVar:

NC_000011.9:g.(?_22225340)_(22261240_?)dup

Gene: ANO5 (anoctamin 5; plus strand). Cytogenetic location: 11p14.3.
Variant type: Duplication.
Identifiers: ClinVar variation 3244656 (VCV003244656.1).

ClinVar aggregate classification (germline): Likely pathogenic (1 of 4 stars; one submission).

Conditions:
Autosomal recessive limb-girdle muscular dystrophy type 2L (LGMDR12). Also called: Limb-girdle muscular dystrophy, type 2L; MUSCULAR DYSTROPHY, LIMB-GIRDLE, AUTOSOMAL RECESSIVE 12; Limb-Girdle Muscular Dystrophy R12 Anoctamin-5-Related (LGMD-R12). Identifiers: Orphanet 206549, MedGen C1969785, MONDO:0012652, OMIM 611307.
Gnathodiaphyseal dysplasia (GDD). Also called: GNATHODIAPHYSEAL SCLEROSIS; OSTEOGENESIS IMPERFECTA WITH UNUSUAL SKELETAL LESIONS. Identifiers: Orphanet 53697, MedGen C1833736, MONDO:0008151, OMIM 166260.

Submission:

Labcorp Genetics (formerly Invitae), Labcorp
Classification: Likely pathogenic for Autosomal recessive limb-girdle muscular dystrophy type 2L; Gnathodiaphyseal dysplasia. Last evaluated: 2023-08-04. Review status: criteria provided, single submitter. Criteria: Invitae Variant Classification Sherloc (09022015). Collection method: clinical testing. Allele origin: unknown.
Comment: This variant results in a copy number gain of the genomic region encompassing exon(s) 2-9 of the ANO5 gene. While the exact position of this variant cannot be determined from the data, sub-genic copy number gains are generally in tandem (PMID: 25640679). This variant is predicted to be out-of-frame, and may result in an absent or disrupted protein product. Loss-of-function variants in ANO5 are known to be pathogenic (PMID: 21186264, 23606453, 25891276, 30919934). This variant has not been reported in the literature in individuals affected with ANO5-related conditions. In summary, the currently available evidence indicates that the variant is pathogenic, but additional data are needed to prove that conclusively. Therefore, this variant has been classified as Likely Pathogenic.

Literature cited by the submitters: PubMed 25640679; PubMed 21186264; PubMed 23606453; PubMed 25891276; PubMed 30919934.